The following is an entry in ClinVar:

ClinVar aggregate classification (germline): Uncertain significance. Review status: criteria provided, multiple submitters, no conflicts (2 of 4 stars). 2 submissions from 2 submitters: Uncertain significance (2). Last evaluated 2024-03-04.

Conditions:
Catecholaminergic polymorphic ventricular tachycardia 1. Also called: VENTRICULAR TACHYCARDIA, CATECHOLAMINERGIC POLYMORPHIC, 1, WITH OR WITHOUT ATRIAL DYSFUNCTION AND/OR DILATED CARDIOMYOPATHY; RYR2-Related Catecholaminergic Polymorphic Ventricular Tachycardia; VENTRICULAR TACHYCARDIA, STRESS-INDUCED POLYMORPHIC 1. Identifiers: Orphanet 3286, MedGen C1631597, MONDO:0011484, OMIM 604772.

Submissions (2):

Labcorp Genetics (formerly Invitae), Labcorp
Classification: Uncertain significance for Catecholaminergic polymorphic ventricular tachycardia 1. Last evaluated: 2024-03-04. Review status: criteria provided, single submitter. Criteria: Invitae Variant Classification Sherloc (09022015). Collection method: clinical testing. Allele origin: germline.
Comment: This sequence change replaces lysine, which is basic and polar, with isoleucine, which is neutral and non-polar, at codon 4791 of the RYR2 protein (p.Lys4791Ile). This variant is not present in population databases (gnomAD no frequency). This variant has not been reported in the literature in individuals affected with RYR2-related conditions. ClinVar contains an entry for this variant (Variation ID: 392515). Advanced modeling of protein sequence and biophysical properties (such as structural, functional, and spatial information, amino acid conservation, physicochemical variation, residue mobility, and thermodynamic stability) performed at Invitae indicates that this missense variant is expected to disrupt RYR2 protein function with a positive predictive value of 95%. In summary, the available evidence is currently insufficient to determine the role of this variant in disease. Therefore, it has been classified as a Variant of Uncertain Significance.

GeneDx
Classification: Uncertain significance. Last evaluated: 2017-01-09. Review status: criteria provided, single submitter. Criteria: GeneDx Variant Classification (06012015). Collection method: clinical testing. Allele origin: germline. Affected: yes.
Comment: A variant of uncertain significance has been identified in the RYR2 gene. The K4791I variant has not been published as a pathogenic variant, nor has it been reported as a benign variant to our knowledge. This variant was not observed in approximately 5,900 individuals of European and African American ancestry in the NHLBI Exome Sequencing Project, indicating it is not a common benign variant in these populations. The K4791I variant is a non-conservative amino acid substitution, which is likely to impact secondary protein structure as these residues differ in polarity, charge, size and/or other properties. This substitution occurs at a position that is conserved across species. Furthermore, in silico analysis predicts this variant is probably damaging to the protein structure/function. The K4791I variant is located in one of the three hot-spot regions of the RYR2 gene, where the majority of pathogenic missense variants occur (Medeiros-Domingo et al., 2009). However, this variant lacks observation in a significant number of affected individuals, segregation data, and functional evidence, which would further clarify its pathogenicity.

NM_001035.3(RYR2):c.14372A>T (p.Lys4791Ile)

Gene: RYR2 (ryanodine receptor 2; plus strand). Cytogenetic location: 1q43.
Variant type: single nucleotide variant.
Coding change: c.14372A>T on transcript NM_001035.3 (MANE Select); coding-DNA position 14372, A replaced by T.
Protein change: p.Lys4791Ile; replaces lysine 4791 with isoleucine.
Molecular consequence: missense variant.
Genome position (GRCh38, 1-based): chr1:237,808,974, A>T. VCF-style: chr1-237808974-A-T. GRCh37 (hg19) VCF-style: chr1-237972274-A-T.
Other names: c.14372A>T, p.Lys4791Ile (LRG_402t1); short protein forms K4791I.
Identifiers: ClinVar variation 392515 (VCV000392515.4), dbSNP rs1057524525, ClinGen allele CA16603655.